The following is an entry in ClinVar:

ClinVar aggregate classification (germline): no classifications from unflagged records (0 of 4 stars; one submission).

Conditions:
Autosomal dominant nonsyndromic hearing loss 70. Also called: Deafness, autosomal dominant 70. Identifiers: Orphanet 90635, MedGen C4310775, MONDO:0014853, OMIM 616968.

Allele frequency attached by ClinVar (database versions not stated): gnomAD exomes below 0.00001; gnomAD 0.00001; ExAC 0.00002.
gnomAD v4.1: 9 of 1,614,082 alleles (0.00056%); highest among the groups gnomAD compares: East Asian, 0.0089%; no homozygotes.

Submission:

OMIM
Classification: Pathogenic for DEAFNESS, AUTOSOMAL DOMINANT 70 (1 family). Last evaluated: 2021-02-18. Review status: flagged submission. Collection method: literature only. Allele origin: germline.
ClinVar note: Notes: Flagging candidate with reason of insufficient supporting evidence. This gene has been classified as having a limited gene-disease relationship by a ClinGen Expert Panel.
ClinVar note: Reason: Other

Literature cited by the submitters: PubMed 26196677.

NM_004526.4(MCM2):c.130C>T (p.Arg44Cys)

Gene: MCM2 (minichromosome maintenance complex component 2; plus strand). Cytogenetic location: 3q21.3.
Variant type: single nucleotide variant.
Coding change: c.130C>T on transcript NM_004526.4 (MANE Select); coding-DNA position 130, C replaced by T.
Protein change: p.Arg44Cys; replaces arginine 44 with cysteine.
Molecular consequence: missense variant. On other transcripts: non-coding transcript variant (1).
Genome position (GRCh38, 1-based): chr3:127,599,441, C>T. VCF-style: chr3-127599441-C-T. GRCh37 (hg19) VCF-style: chr3-127318284-C-T.
Other names: short protein forms R44C.
Identifiers: ClinVar variation 235129 (VCV000235129.2), dbSNP rs375851208, ClinGen allele CA2595480.
Genomic context (GRCh38, chr3:127,599,441, plus strand): 5'-CTCACCTCCAGCCCTGGCCGAAGCTCCCGGCGTACTGATGCCCTCACCTCCAGCCCTGGC[C>T]GTGACCTTCCACCATTTGAGGATGAGTCCGAGGGGCTCCTAGGCACAGAGGGGCCCCTGG-3'
Protein context (NP_004517.2, residues 34-54): RTDALTSSPG[Arg44Cys]DLPPFEDESE